The following is an entry in ClinVar:

ClinVar aggregate classification (germline): Uncertain significance. Review status: criteria provided, multiple submitters, no conflicts (2 of 4 stars). 2 submissions from 2 submitters: Uncertain significance (2). Last evaluated 2026-03-25.

Conditions:
GFM1-related disorder. Also called: GFM1-related condition.
Hepatoencephalopathy due to combined oxidative phosphorylation defect type 1. Also called: HEPATOENCEPHALOPATHY, EARLY FATAL PROGRESSIVE. Identifiers: Orphanet 137681, MedGen C1836797, MONDO:0012191, OMIM 609060.

Allele frequency attached by ClinVar (database versions not stated): gnomAD 0.00004 and 0.00017; TOPMed 0.00005; gnomAD exomes 0.00008 and 0.00023; ExAC 0.00012; 1000 Genomes Project 30x 0.00078; 1000 Genomes Project 0.00100.
gnomAD v4.1: 342 of 1,534,334 alleles (0.022%); highest among the groups gnomAD compares: East Asian, 0.72%; 4 homozygotes.

Submissions (2):

PreventionGenetics, part of Exact Sciences
Classification: Uncertain significance for GFM1-related condition. Last evaluated: 2026-03-25. Review status: criteria provided, single submitter. Criteria: ACMG Guidelines, 2015. Collection method: clinical testing. Allele origin: germline.
Comment: The GFM1 c.596C>T variant is predicted to result in the amino acid substitution p.Ala199Val. To our knowledge, this variant has not been reported in the literature. This variant is reported in 0.044% of alleles in individuals of East Asian descent in gnomAD. At this time, the clinical significance of this variant is uncertain due to the absence of conclusive functional and genetic evidence.

Illumina Laboratory Services, Illumina
Classification: Uncertain significance for Hepatoencephalopathy due to combined oxidative phosphorylation defect type 1. Last evaluated: 2018-01-13. Review status: criteria provided, single submitter. Criteria: ICSL Variant Classification Criteria 13 December 2019. Collection method: clinical testing. Allele origin: germline.

NM_024996.7(GFM1):c.596C>T (p.Ala199Val)

Gene: GFM1 (G elongation factor mitochondrial 1; plus strand). Cytogenetic location: 3q25.32.
Variant type: single nucleotide variant.
Coding change: c.596C>T on transcript NM_024996.7 (MANE Select); coding-DNA position 596, C replaced by T.
Protein change: p.Ala199Val; replaces alanine 199 with valine.
Molecular consequence: missense variant. On other transcripts: non-coding transcript variant (2), intron variant (3).
Genome position (GRCh38, 1-based): chr3:158,649,064, C>T. VCF-style: chr3-158649064-C-T. GRCh37 (hg19) VCF-style: chr3-158366853-C-T.
Other names: c.596C>T, p.Ala199Val (NM_001308164.2, NM_001308166.2, NM_001374355.1); c.371C>T, p.Ala124Val (NM_001374357.1); c.29C>T, p.Ala10Val (NM_001374359.1, NM_001374360.1); c.572+2117C>T (NM_001374356.1); c.6-3032C>T (NM_001374361.1); c.235-3036C>T (NM_001374358.1); c.596C>T (NM_001308164.1); short protein forms A10V, A124V, A199V.
Identifiers: ClinVar variation 902772 (VCV000902772.5), dbSNP rs145247687, ClinGen allele CA2682370.